The following is an entry in ClinVar:

NM_001194998.2(CEP152):c.654C>T (p.Phe218=)

Gene: CEP152 (centrosomal protein 152; minus strand). Cytogenetic location: 15q21.1.
Variant type: single nucleotide variant.
Coding change: c.654C>T on transcript NM_001194998.2 (MANE Select); coding-DNA position 654, C replaced by T.
Protein change: p.Phe218=; no amino-acid change (phenylalanine 218 retained).
Molecular consequence: synonymous variant.
Genome position (GRCh38, 1-based): chr15:48,796,047, G>A on the plus strand (C>T on the coding strand, the complement: CEP152 is on the minus strand). VCF-style: chr15-48796047-G-A. GRCh37 (hg19) VCF-style: chr15-49088244-G-A.
Other names: c.654C>T, p.Phe218= (NM_014985.4).
Identifiers: ClinVar variation 2672589 (VCV002672589.26), dbSNP rs367623474, ClinGen allele CA7549071.

ClinVar aggregate classification (germline): Likely benign. Review status: criteria provided, multiple submitters, no conflicts (2 of 4 stars). 2 submissions from 2 submitters: Likely benign (2). Last evaluated 2025-05-09.

Allele frequency attached by ClinVar (database versions not stated): ExAC 0.00001; gnomAD exomes 0.00001; ESP Exome Variant Server 0.00008.
gnomAD v4.1: 19 of 1,613,688 alleles (0.0012%); highest among the groups gnomAD compares: African/African-American, 0.0027%; no homozygotes.

Submissions (2):

Labcorp Genetics (formerly Invitae), Labcorp
Classification: Likely benign. Last evaluated: 2025-05-09. Review status: criteria provided, single submitter. Criteria: Invitae Variant Classification Sherloc (09022015). Collection method: clinical testing. Allele origin: germline.

CeGaT Center for Human Genetics Tuebingen
Classification: Likely benign. Last evaluated: 2023-12-01. Review status: criteria provided, single submitter. Criteria: CeGaT Center For Human Genetics Tuebingen Variant Classification Criteria Version 2. Collection method: clinical testing. Allele origin: germline. Affected: yes. Observed: 1 variant allele.
Comment: CEP152: BP4, BP7